The following is an entry in ClinVar:

ClinVar aggregate classification (germline): Uncertain significance (1 of 4 stars; one submission).

Conditions:
MAP2K4-related condition.

Submission:

PreventionGenetics, part of Exact Sciences
Classification: Uncertain significance for MAP2K4-related condition. Last evaluated: 2025-10-01. Review status: criteria provided, single submitter. Criteria: ACMG Guidelines, 2015. Collection method: clinical testing. Allele origin: germline.
Comment: The MAP2K4 c.874C>T variant is predicted to result in premature protein termination (p.Arg292*). To our knowledge, this variant has not been reported in the literature or in a large population database (gnomAD), indicating this variant is rare. At this time, the clinical significance of this variant is uncertain due to the absence of conclusive functional and genetic evidence.

NM_003010.4(MAP2K4):c.841C>T (p.Arg281Ter)

Gene: MAP2K4 (mitogen-activated protein kinase kinase 4; plus strand). Cytogenetic location: 17p12.
Variant type: single nucleotide variant.
Coding change: c.841C>T on transcript NM_003010.4 (MANE Select); coding-DNA position 841, C replaced by T.
Protein change: p.Arg281Ter; replaces arginine 281 with a stop codon.
Molecular consequence: nonsense.
Genome position (GRCh38, 1-based): chr17:12,125,321, C>T. VCF-style: chr17-12125321-C-T. GRCh37 (hg19) VCF-style: chr17-12028638-C-T.
Other names: c.874C>T, p.Arg292Ter (NM_001281435.2); short protein forms R292*, R281*.
Identifiers: ClinVar variation 4987677 (VCV004987677.1).